The following is an entry in ClinVar:

NM_006218.4(PIK3CA):c.895A>T (p.Met299Leu)

Gene: PIK3CA (phosphatidylinositol-4,5-bisphosphate 3-kinase catalytic subunit alpha; plus strand). Cytogenetic location: 3q26.32.
Variant type: single nucleotide variant.
Coding change: c.895A>T on transcript NM_006218.4 (MANE Select); coding-DNA position 895, A replaced by T.
Protein change: p.Met299Leu; replaces methionine 299 with leucine.
Molecular consequence: missense variant.
Genome position (GRCh38, 1-based): chr3:179,203,625, A>T. VCF-style: chr3-179203625-A-T. GRCh37 (hg19) VCF-style: chr3-178921413-A-T.
Other names: short protein forms M299L.
Identifiers: ClinVar variation 3888951 (VCV003888951.1).

ClinVar aggregate classification (germline): Uncertain significance (1 of 4 stars; one submission).

Conditions:
Inborn genetic diseases. Identifiers: MedGen C0950123, MeSH D030342.

gnomAD v4.1: 1 of 1,614,022 alleles (0.000062%); highest among the groups gnomAD compares: Non-Finnish European, 0.000085%; no homozygotes.

Submission:

Ambry Genetics
Classification: Uncertain significance for Inborn genetic diseases. Last evaluated: 2025-02-16. Review status: criteria provided, single submitter. Criteria: Ambry Variant Classification Scheme 2023. Collection method: clinical testing. Allele origin: germline.
Comment: The p.M299L variant (also known as c.895A>T), located in coding exon 4 of the PIK3CA gene, results from an A to T substitution at nucleotide position 895. The methionine at codon 299 is replaced by leucine, an amino acid with highly similar properties. This amino acid position is conserved. In addition, this alteration is predicted to be tolerated by in silico analysis. Based on the available evidence, the clinical significance of this variant remains unclear.